The following is an entry in ClinVar:

ClinVar aggregate classification (germline): Uncertain significance (1 of 4 stars; one submission).

Conditions:
Cardiovascular phenotype. Identifiers: MedGen CN230736.

Submission:

Ambry Genetics
Classification: Uncertain significance for Cardiovascular phenotype. Last evaluated: 2025-05-28. Review status: criteria provided, single submitter. Criteria: Ambry Variant Classification Scheme 2023. Collection method: clinical testing. Allele origin: germline.
Comment: The c.1584dupA variant, located in coding exon 27 of the TRDN gene, results from a duplication of A at nucleotide position 1584, causing a translational frameshift with a predicted alternate stop codon (p.E529Rfs*8). This alteration is expected to result in loss of function by premature protein truncation or nonsense-mediated mRNA decay. However, this alteration does not impact the predominant cardiac isoform of TRDN (NM_001256021.1; Kobayashi YM et al. J. Biol. Chem., 1999 Oct;274:28660-8). Since supporting evidence is limited at this time, the clinical significance of this alteration remains unclear.

NM_006073.4(TRDN):c.1584dup (p.Glu529fs)

Gene: TRDN (triadin; minus strand). Cytogenetic location: 6q22.31.
Variant type: Duplication.
Coding change: c.1584dup on transcript NM_006073.4 (MANE Select); coding-DNA position 1584, one base duplicated (A; older notation c.1584dupA).
Protein change: p.Glu529fs; shifts the reading frame from glutamic acid 529.
Molecular consequence: frameshift variant.
Genome position (GRCh38, 1-based): chr6:123,274,654, T duplicated on the plus strand (A on the coding strand, the reverse complement: TRDN is on the minus strand); the first of 6 consecutive T bases (chr6:123,274,654-123,274,659); duplicating any one gives the same sequence. VCF-style (leftmost placement, unchanged base first): chr6-123274653-C-CT. GRCh37 (hg19) VCF-style: chr6-123595798-C-CT.
Other names: short protein forms E529fs.
Identifiers: ClinVar variation 2447978 (VCV002447978.3), dbSNP rs2533562785, ClinGen allele CA2580074842.
Genomic context (GRCh38, chr6:123,274,653, plus strand): 5'-TAAAGATAATGTCAACTCTGAATCTATATAAAATAAAGCTCATGTTACCTGGTTTTGCTT[C>CT]TTTTTTAATTTGGGGCTCTGAGGGAGAGAAAAGGCAGAAAATTTAAAACCTGAAAAAATA-3'